The following is an entry in ClinVar:

ClinVar aggregate classification (germline): Uncertain significance (0 of 4 stars; one submission).

Submission:

SN ONGC Dept of Genetics and Molecular biology Vision Research Foundation
Classification: Uncertain significance. Review status: no assertion criteria provided. Collection method: not provided. Allele origin: germline.
Comment: predominantly peripheral schisis
ClinVar note: Converted during submission from unknown to Uncertain significance.

NM_000330.4(RS1):c.376G>C (p.Asp126His)

Genes: CDKL5 (cyclin dependent kinase like 5; plus strand), RS1 (retinoschisin 1; minus strand). Cytogenetic location: Xp22.13.
Variant type: single nucleotide variant.
Coding change: c.376G>C on transcript NM_000330.4 (MANE Select); coding-DNA position 376, G replaced by C.
Protein change: p.Asp126His; replaces aspartic acid 126 with histidine.
Molecular consequence: missense variant. On other transcripts: intron variant (2).
Genome position (GRCh38, 1-based): chrX:18,644,576, C>G on the plus strand (G>C on the coding strand, the complement: RS1 is on the minus strand). VCF-style: chrX-18644576-C-G. GRCh37 (hg19) VCF-style: chrX-18662696-C-G.
Other names: c.2714-1431C>G (NM_003159.3, NM_001037343.2); short protein forms D126H.
Identifiers: ClinVar variation 68074 (VCV000068074.4), dbSNP rs199469698, ClinGen allele CA218965.